The following is an entry in ClinVar:

NM_145038.5(DRC1):c.*45G>A

Gene: DRC1 (dynein regulatory complex subunit 1; plus strand). Cytogenetic location: 2p23.3.
Variant type: single nucleotide variant.
Coding change: c.*45G>A on transcript NM_145038.5 (MANE Select); 45 bases downstream of the stop codon, G replaced by A.
Molecular consequence: 3 prime UTR variant.
Genome position (GRCh38, 1-based): chr2:26,456,562, G>A. VCF-style: chr2-26456562-G-A. GRCh37 (hg19) VCF-style: chr2-26679430-G-A.
Identifiers: ClinVar variation 1231897 (VCV001231897.4), dbSNP rs11886898, ClinGen allele CA1562597.

ClinVar aggregate classification (germline): Benign. Review status: criteria provided, multiple submitters, no conflicts (2 of 4 stars). 2 submissions from 2 submitters: Benign (2). Last evaluated 2018-07-14.

Allele frequency attached by ClinVar (database versions not stated): gnomAD exomes 0.00464 and 0.01092; ExAC 0.01302; 1000 Genomes Project 0.04193; TOPMed 0.04395; 1000 Genomes Project 30x 0.04419; ESP Exome Variant Server 0.04590.
gnomAD v4.1: 13,024 of 1,611,374 alleles (0.81%); highest among the groups gnomAD compares: African/African-American, 13%; 698 homozygotes.

Submissions (2):

GeneDx
Classification: Benign. Last evaluated: 2018-07-14. Review status: criteria provided, single submitter. Criteria: GeneDx Variant Classification Process June 2021. Collection method: clinical testing. Allele origin: germline. Affected: yes.
Comment: This variant is associated with the following publications: (PMID: 31213628)

Breakthrough Genomics
Classification: Benign. Review status: criteria provided, single submitter. Criteria: ACMG Guidelines, 2015. Collection method: not provided. Allele origin: germline. Inheritance: Autosomal recessive inheritance. Affected: yes.